The following is an entry in ClinVar:

ClinVar aggregate classification (germline): Benign. Review status: reviewed by expert panel (3 of 4 stars). 14 submissions from 13 submitters: Benign (1). 13 of the submissions do not count toward it. Last evaluated 2025-05-02.

Conditions:
Inborn genetic diseases. Identifiers: MedGen C0950123, MeSH D030342.
Hereditary thrombocytopenia and hematologic cancer predisposition syndrome. Identifiers: Orphanet 71290, MedGen CN281654, MONDO:0011071.
Acute myeloid leukemia (AML). Also called: Leukemia, acute myeloid, somatic; Leukemia, acute myelogenous, somatic; Acute myeloid leukemia, adult; AML adult; Acute non-lymphocytic leukemia; Acute granulocytic leukemia. Identifiers: Orphanet 519, MedGen C0023467, MeSH D015470, MONDO:0018874, OMIM 601626, HP:0004808. Disease mechanism: Constitutively activated FLT3.
Hereditary thrombocytopenia and hematological cancer predisposition syndrome associated with RUNX1. Also called: PLATELET DISORDER, ASPIRIN-LIKE; Familial thrombocytopenia with propensity to acute myelogenous leukemia; RUNX1 Familial Platelet Disorder with Associated Myeloid Malignancies; Familial Platelet Disorder with Propensity to Acute Myelogenous Leukemia. Identifiers: Orphanet 71290, MedGen C1832388, MeSH C563324, MONDO:0100083, OMIM 601399.

Allele frequency attached by ClinVar (database versions not stated): ESP Exome Variant Server 0.03061; gnomAD 0.04709; TOPMed 0.05191; 1000 Genomes Project 0.05831; 1000 Genomes Project 30x 0.06043.
gnomAD v4.1: 28,697 of 1,536,470 alleles (1.9%); highest among the groups gnomAD compares: African/African-American, 12%; 908 homozygotes.

Submissions (14):

ClinGen Myeloid Malignancy Variant Curation Expert Panel
Classification: Benign for Hereditary thrombocytopenia and hematologic cancer predisposition syndrome. Last evaluated: 2025-05-02. Review status: reviewed by expert panel. Criteria: ClinGen MyeloMalig ACMG Specifications v2. Collection method: curation. Allele origin: germline. Inheritance: Autosomal dominant inheritance.
Comment: NM_001754.4(RUNX1):c.1389C>G (p.Pro463=) is a synonymous variant which has a minor allele frequency of 0.1206 (1976/16382 alleles) in the African subpopulation of the gnomAD cohort, meeting the threshold for BA1. It is detected in a homozygous state in 202 individuals in gnomAD (BP2). Splicing predictors SSF and MES indicate no significant impact on the canonical splice site, and no cryptic splice sites are created (BP4). Evolutionary conservation algorithms predict the site as not being conserved (BP7). In summary, this variant meets criteria to be classified as benign. ACMG/AMP criteria applied, as specified by the Myeloid Malignancy Variant Curation Expert Panel for RUNX1: BA1, BP2, BP4, BP7.

Labcorp Genetics (formerly Invitae), Labcorp
Classification: Benign for Hereditary thrombocytopenia and hematological cancer predisposition syndrome associated with RUNX1. Last evaluated: 2026-02-03. Review status: criteria provided, single submitter. Criteria: Invitae Variant Classification Sherloc (09022015). Collection method: clinical testing. Allele origin: germline. Not counted in ClinVar's aggregate classification.

Mayo Clinic Laboratories, Mayo Clinic
Classification: Benign. Last evaluated: 2025-09-08. Review status: criteria provided, single submitter. Criteria: ACMG Guidelines, 2015. Collection method: clinical testing. Allele origin: germline. Observed: 84 variant alleles. Not counted in ClinVar's aggregate classification.

ARUP Laboratories, Molecular Genetics and Genomics, ARUP Laboratories
Classification: Benign. Last evaluated: 2025-07-21. Review status: criteria provided, single submitter. Criteria: ARUP Molecular Germline Variant Investigation Process 2024. Collection method: clinical testing. Allele origin: germline. Not counted in ClinVar's aggregate classification.

KCCC/NGS Laboratory, Kuwait Cancer Control Center
Classification: Benign for Hereditary thrombocytopenia and hematological cancer predisposition syndrome associated with RUNX1. Last evaluated: 2025-02-01. Review status: criteria provided, single submitter. Criteria: ACMG Guidelines, 2015. Collection method: clinical testing. Allele origin: germline. Affected: no. Not counted in ClinVar's aggregate classification.

Blueprint Genetics
Classification: Likely benign. Last evaluated: 2024-11-28. Review status: criteria provided, single submitter. Criteria: ACMG Guidelines, 2015. Collection method: clinical testing. Allele origin: germline. Not counted in ClinVar's aggregate classification.

Ambry Genetics
Classification: Benign for Inborn genetic diseases. Last evaluated: 2024-11-22. Review status: criteria provided, single submitter. Criteria: Ambry Variant Classification Scheme 2023. Collection method: clinical testing. Allele origin: germline. Not counted in ClinVar's aggregate classification.

KCCC/NGS Laboratory, Kuwait Cancer Control Center
Classification: Benign for Acute myeloid leukemia. Last evaluated: 2023-07-07. Review status: criteria provided, single submitter. Criteria: ACMG Guidelines, 2015. Collection method: clinical testing. Allele origin: germline. Affected: yes. Not counted in ClinVar's aggregate classification.

GeneDx
Classification: Benign. Last evaluated: 2018-06-22. Review status: criteria provided, single submitter. Criteria: GeneDx Variant Classification Process June 2021. Collection method: clinical testing. Allele origin: germline. Affected: yes. Not counted in ClinVar's aggregate classification.

PreventionGenetics, part of Exact Sciences
Classification: Benign. Last evaluated: 2018-04-03. Review status: criteria provided, single submitter. Criteria: ACMG Guidelines, 2015. Collection method: clinical testing. Allele origin: germline. Not counted in ClinVar's aggregate classification.

Illumina Laboratory Services, Illumina
Classification: Benign for Hereditary thrombocytopenia and hematological cancer predisposition syndrome associated with RUNX1. Last evaluated: 2018-01-12. Review status: criteria provided, single submitter. Criteria: ICSL Variant Classification Criteria 13 December 2019. Collection method: clinical testing. Allele origin: germline. Not counted in ClinVar's aggregate classification.
Comment: This variant was observed in the ICSL laboratory as part of a predisposition screen in an ostensibly healthy population. It had not been previously curated by ICSL or reported in the Human Gene Mutation Database (HGMD: prior to June 1st, 2018), and was therefore a candidate for classification through an automated scoring system. Utilizing variant allele frequency, disease prevalence and penetrance estimates, and inheritance mode, an automated score was calculated to assess if this variant is too frequent to cause the disease. Based on the score and internal cut-off values, a variant classified as benign is not then subjected to further curation. The score for this variant resulted in a classification of benign for this disease.

Breakthrough Genomics
Classification: Benign. Review status: criteria provided, single submitter. Criteria: ACMG Guidelines, 2015. Collection method: not provided. Allele origin: germline. Inheritance: Autosomal dominant inheritance. Affected: yes. Not counted in ClinVar's aggregate classification.

Genome Diagnostics Laboratory, University Medical Center Utrecht
Classification: Benign. Review status: no assertion criteria provided. Collection method: clinical testing. Allele origin: germline. Affected: yes. Study: VKGL Data-share Consensus. Not counted in ClinVar's aggregate classification.

Laboratory of Diagnostic Genome Analysis, Leiden University Medical Center (LUMC)
Classification: Benign. Review status: no assertion criteria provided. Collection method: clinical testing. Allele origin: germline. Affected: yes. Study: VKGL Data-share Consensus. Not counted in ClinVar's aggregate classification.

NM_001754.5(RUNX1):c.1389C>G (p.Pro463=)

Gene: RUNX1 (RUNX family transcription factor 1; minus strand). Cytogenetic location: 21q22.12.
Variant type: single nucleotide variant.
Coding change: c.1389C>G on transcript NM_001754.5 (MANE Select); coding-DNA position 1389, C replaced by G.
Protein change: p.Pro463=; no amino-acid change (proline 463 retained).
Molecular consequence: synonymous variant.
Genome position (GRCh38, 1-based): chr21:34,792,189, G>C on the plus strand (C>G on the coding strand, the complement: RUNX1 is on the minus strand). VCF-style: chr21-34792189-G-C. GRCh37 (hg19) VCF-style: chr21-36164486-G-C.
Other names: NM_001754.4(RUNX1):c.1389C>G; NM_001754.5(RUNX1):c.1389C>G; c.1308C>G, p.Pro436= (NM_001001890.3).
Identifiers: ClinVar variation 258184 (VCV000258184.33), dbSNP rs61750222, ClinGen allele CA10014178.